The following is an entry in ClinVar:

ClinVar aggregate classification (germline): Uncertain significance (1 of 4 stars; one submission).

Conditions:
NPC1-related disorder. Also called: NPC1-related condition.

Submission:

PreventionGenetics, part of Exact Sciences
Classification: Uncertain significance for NPC1-related condition. Last evaluated: 2026-04-28. Review status: criteria provided, single submitter. Criteria: ACMG Guidelines, 2015. Collection method: clinical testing. Allele origin: germline.
Comment: The NPC1 c.2218T>G variant is predicted to result in the amino acid substitution p.Phe740Val. To our knowledge, this variant has not been reported in the literature or in a large population database (gnomAD), indicating this variant is rare. At this time, the clinical significance of this variant is uncertain due to the absence of conclusive functional and genetic evidence.

NM_000271.5(NPC1):c.2218T>G (p.Phe740Val)

Gene: NPC1 (NPC intracellular cholesterol transporter 1; minus strand). Cytogenetic location: 18q11.2.
Variant type: single nucleotide variant.
Coding change: c.2218T>G on transcript NM_000271.5 (MANE Select); coding-DNA position 2218, T replaced by G.
Protein change: p.Phe740Val; replaces phenylalanine 740 with valine.
Molecular consequence: missense variant.
Genome position (GRCh38, 1-based): chr18:23,543,482, A>C on the plus strand (T>G on the coding strand, the complement: NPC1 is on the minus strand). VCF-style: chr18-23543482-A-C. GRCh37 (hg19) VCF-style: chr18-21123446-A-C.
Other names: short protein forms F740V.
Identifiers: ClinVar variation 4989164 (VCV004989164.1).